The following is an entry in ClinVar:

NM_006929.5(SKIC2):c.3632G>C (p.Arg1211Pro)

Gene: SKIC2 (SKI2 subunit of superkiller complex; plus strand). Cytogenetic location: 6p21.33.
Variant type: single nucleotide variant.
Coding change: c.3632G>C on transcript NM_006929.5 (MANE Select); coding-DNA position 3632, G replaced by C.
Protein change: p.Arg1211Pro; replaces arginine 1211 with proline.
Molecular consequence: missense variant.
Genome position (GRCh38, 1-based): chr6:31,969,606, G>C. VCF-style: chr6-31969606-G-C. GRCh37 (hg19) VCF-style: chr6-31937383-G-C.
Other names: c.3632G>C (NM_006929.4); short protein forms R1211P.
Identifiers: ClinVar variation 3703081 (VCV003703081.3).

ClinVar aggregate classification (germline): Uncertain significance. Review status: criteria provided, multiple submitters, no conflicts (2 of 4 stars). 2 submissions from 2 submitters: Uncertain significance (2). Last evaluated 2025-01-20.

Conditions:
Inborn genetic diseases. Identifiers: MedGen C0950123, MeSH D030342.

gnomAD v4.1: 2 of 1,613,004 alleles (0.00012%); highest among the groups gnomAD compares: Admixed American, 0.0017%; no homozygotes.

Submissions (2):

Ambry Genetics
Classification: Uncertain significance for Inborn genetic diseases. Last evaluated: 2025-01-20. Review status: criteria provided, single submitter. Criteria: Ambry Variant Classification Scheme 2023. Collection method: clinical testing. Allele origin: germline.

Labcorp Genetics (formerly Invitae), Labcorp
Classification: Uncertain significance. Last evaluated: 2024-05-09. Review status: criteria provided, single submitter. Criteria: Invitae Variant Classification Sherloc (09022015). Collection method: clinical testing. Allele origin: germline.
Comment: This sequence change replaces arginine, which is basic and polar, with proline, which is neutral and non-polar, at codon 1211 of the SKIV2L protein (p.Arg1211Pro). This variant is present in population databases (no rsID available, gnomAD no frequency). This variant has not been reported in the literature in individuals affected with SKIV2L-related conditions. An algorithm developed to predict the effect of missense changes on protein structure and function (PolyPhen-2) suggests that this variant is likely to be disruptive. In summary, the available evidence is currently insufficient to determine the role of this variant in disease. Therefore, it has been classified as a Variant of Uncertain Significance.